The following is an entry in ClinVar:

ClinVar aggregate classification (germline): Uncertain significance. Review status: criteria provided, multiple submitters, no conflicts (2 of 4 stars). 2 submissions from 2 submitters: Uncertain significance (2). Last evaluated 2026-07-05.

Conditions:
Familial cancer of breast. Also called: Hereditary breast cancer; BREAST CANCER, FAMILIAL; hereditary breast carcinoma. Identifiers: Orphanet 227535, MedGen C0346153, MONDO:0016419, OMIM 114480. Disease mechanism: loss of function.
Fanconi anemia complementation group J. Also called: BRIP1-Related Fanconi Anemia. Identifiers: Orphanet 84, MedGen C1836860, MONDO:0012187, OMIM 609054.
Hereditary cancer-predisposing syndrome. Also called: Tumor predisposition; Hereditary Cancer Syndrome; Hereditary neoplastic syndrome; Neoplastic Syndromes, Hereditary. Identifiers: Orphanet 140162, MedGen C0027672, MeSH D009386, MONDO:0015356.

Submissions (2):

Ambry Genetics
Classification: Uncertain significance for Hereditary cancer-predisposing syndrome. Last evaluated: 2026-07-05. Review status: criteria provided, single submitter. Criteria: Ambry Variant Classification Scheme 2023. Collection method: clinical testing. Allele origin: germline.
Comment: The p.C350Y variant (also known as c.1049G>A), located in coding exon 7 of the BRIP1 gene, results from a G to A substitution at nucleotide position 1049. The cysteine at codon 350 is replaced by tyrosine, an amino acid with highly dissimilar properties. This amino acid position is conserved. In addition, this alteration is predicted to be deleterious by in silico analysis. Based on the available evidence, the clinical significance of this variant remains unclear.

Labcorp Genetics (formerly Invitae), Labcorp
Classification: Uncertain significance for Familial cancer of breast; Fanconi anemia complementation group J. Last evaluated: 2023-04-24. Review status: criteria provided, single submitter. Criteria: Invitae Variant Classification Sherloc (09022015). Collection method: clinical testing. Allele origin: germline.
Comment: This variant is not present in population databases (gnomAD no frequency). This missense change has been observed in individual(s) with breast cancer (PMID: 26691941). ClinVar contains an entry for this variant (Variation ID: 2160518). Advanced modeling of protein sequence and biophysical properties (such as structural, functional, and spatial information, amino acid conservation, physicochemical variation, residue mobility, and thermodynamic stability) performed at Invitae indicates that this missense variant is expected to disrupt BRIP1 protein function. In summary, the available evidence is currently insufficient to determine the role of this variant in disease. Therefore, it has been classified as a Variant of Uncertain Significance. This sequence change replaces cysteine, which is neutral and slightly polar, with tyrosine, which is neutral and polar, at codon 350 of the BRIP1 protein (p.Cys350Tyr).

Literature cited by the submitters: PubMed 26691941 (cited by Labcorp Genetics (formerly Invitae), Labcorp).

NM_032043.3(BRIP1):c.1049G>A (p.Cys350Tyr)

Gene: BRIP1 (BRCA1 interacting DNA helicase 1; minus strand). Cytogenetic location: 17q23.2.
Variant type: single nucleotide variant.
Coding change: c.1049G>A on transcript NM_032043.3 (MANE Select); coding-DNA position 1049, G replaced by A.
Protein change: p.Cys350Tyr; replaces cysteine 350 with tyrosine.
Molecular consequence: missense variant.
Genome position (GRCh38, 1-based): chr17:61,801,344, C>T on the plus strand (G>A on the coding strand, the complement: BRIP1 is on the minus strand). VCF-style: chr17-61801344-C-T. GRCh37 (hg19) VCF-style: chr17-59878705-C-T.
Other names: short protein forms C350Y.
Identifiers: ClinVar variation 2160518 (VCV002160518.5), dbSNP rs2145336032, ClinGen allele CA400484039.